The following is an entry in ClinVar:

ClinVar aggregate classification (germline): Uncertain significance (1 of 4 stars; one submission).

Conditions:
Hereditary cancer-predisposing syndrome. Also called: Neoplastic Syndromes, Hereditary; Tumor predisposition; Hereditary Cancer Syndrome; Hereditary neoplastic syndrome. Identifiers: Orphanet 140162, MedGen C0027672, MeSH D009386, MONDO:0015356.

Submission:

Ambry Genetics
Classification: Uncertain significance for Hereditary cancer-predisposing syndrome. Last evaluated: 2025-07-07. Review status: criteria provided, single submitter. Criteria: Ambry Variant Classification Scheme 2023. Collection method: clinical testing. Allele origin: germline.
Comment: The p.W822* variant (also known as c.2465G>A), located in coding exon 10 of the AXIN2 gene, results from a G to A substitution at nucleotide position 2465. This changes the amino acid from a tryptophan to a stop codon within coding exon 10. This variant was reported in individuals with features consistent with oligodontia-cancer predisposition syndrome (Ambry internal data). This alteration occurs at the 3' terminus of theAXIN2 gene, is not expected to trigger nonsense-mediated mRNAdecay, and impacts the last 2.7% of the protein. The exact functional effect of this alteration is unknown. Based on the available evidence, the clinical significance of this variant remains unclear.

NM_004655.4(AXIN2):c.2465G>A (p.Trp822Ter)

Gene: AXIN2 (axin 2; minus strand). Cytogenetic location: 17q24.1.
Variant type: single nucleotide variant.
Coding change: c.2465G>A on transcript NM_004655.4 (MANE Select); coding-DNA position 2465, G replaced by A.
Protein change: p.Trp822Ter; replaces tryptophan 822 with a stop codon.
Molecular consequence: nonsense.
Genome position (GRCh38, 1-based): chr17:65,530,043, C>T on the plus strand (G>A on the coding strand, the complement: AXIN2 is on the minus strand). VCF-style: chr17-65530043-C-T. GRCh37 (hg19) VCF-style: chr17-63526161-C-T.
Other names: c.2270G>A, p.Trp757Ter (NM_001363813.1); short protein forms W822*, W757*.
Identifiers: ClinVar variation 4187422 (VCV004187422.1).